The following is an entry in ClinVar:

NM_000038.6(APC):c.1479C>A (p.Tyr493Ter)

Gene: APC (APC regulator of Wnt signaling pathway; plus strand). Cytogenetic location: 5q22.2.
Variant type: single nucleotide variant.
Coding change: c.1479C>A on transcript NM_000038.6 (MANE Select); coding-DNA position 1479, C replaced by A.
Protein change: p.Tyr493Ter; replaces tyrosine 493 with a stop codon.
Molecular consequence: nonsense.
Genome position (GRCh38, 1-based): chr5:112,827,178, C>A. VCF-style: chr5-112827178-C-A. GRCh37 (hg19) VCF-style: chr5-112162875-C-A.
Other names: c.1479C>A, p.Tyr493Ter (NM_001127510.3, NM_001354895.2); c.1425C>A, p.Tyr475Ter (NM_001127511.3); c.1533C>A, p.Tyr511Ter (NM_001354896.2); c.1509C>A, p.Tyr503Ter (NM_001354897.2); c.1404C>A, p.Tyr468Ter (NM_001354898.2); c.1395C>A, p.Tyr465Ter (NM_001354899.2); c.1356C>A, p.Tyr452Ter (NM_001354900.2); c.1302C>A, p.Tyr434Ter (NM_001354901.2); and 5 more; short protein forms Y210*, Y434*, Y452*, Y475*, Y493*, Y333*, Y392*, Y402*.
Identifiers: ClinVar variation 639528 (VCV000639528.10), dbSNP rs1561553939, ClinGen allele CA16024545.

ClinVar aggregate classification (germline): Pathogenic (1 of 4 stars; one submission).

Conditions:
Familial adenomatous polyposis 1 (FAP1). Also called: POLYPOSIS, ADENOMATOUS INTESTINAL; FAMILIAL ADENOMATOUS POLYPOSIS 1, ATTENUATED. Identifiers: MedGen C2713442, MONDO:0021056, OMIM 175100. Disease mechanism: loss of function.

Submission:

Labcorp Genetics (formerly Invitae), Labcorp
Classification: Pathogenic for Familial adenomatous polyposis 1. Last evaluated: 2018-07-26. Review status: criteria provided, single submitter. Criteria: Invitae Variant Classification Sherloc (09022015). Collection method: clinical testing. Allele origin: germline.
Comment: This sequence change creates a premature translational stop signal (p.Tyr493*) in the APC gene. It is expected to result in an absent or disrupted protein product. This variant is not present in population databases (ExAC no frequency). This nonsense change has been observed in an individual affected with familial adenomatous polyposis (PMID: 18433509). Loss-of-function variants in APC are known to be pathogenic (PMID: 17963004, 20685668). For these reasons, this variant has been classified as Pathogenic.

Literature cited by the submitters: PubMed 18433509; PubMed 17963004; PubMed 20685668.